The following is an entry in ClinVar:

ClinVar aggregate classification (germline): Pathogenic. Review status: criteria provided, single submitter (1 of 4 stars). 2 submissions from 2 submitters: Pathogenic (1). 1 of the submissions does not count toward it. Last evaluated 2026-01-15.

Conditions:
Filippi syndrome (FLPIS). Identifiers: Orphanet 3255, MedGen C0795940, MONDO:0010092, OMIM 272440.

Allele frequency attached by ClinVar (database versions not stated): ExAC 0.00003; gnomAD exomes 0.00003 and 0.00011; gnomAD 0.00007; ESP Exome Variant Server 0.00008; TOPMed 0.00008.
gnomAD v4.1: 173 of 1,614,032 alleles (0.011%); highest among the groups gnomAD compares: Non-Finnish European, 0.013%; no homozygotes.

Submissions (2):

Labcorp Genetics (formerly Invitae), Labcorp
Classification: Pathogenic. Last evaluated: 2026-01-15. Review status: criteria provided, single submitter. Criteria: Invitae Variant Classification Sherloc (09022015). Collection method: clinical testing. Allele origin: germline.
Comment: This sequence change replaces arginine, which is basic and polar, with histidine, which is basic and polar, at codon 689 of the CKAP2L protein (p.Arg689His). This variant is present in population databases (rs201984824, gnomAD 0.004%). This missense change has been observed in individual(s) with CKAP2L-related conditions (PMID: 34921061; internal data). In at least one individual the data is consistent with being in trans (on the opposite chromosome) from a pathogenic variant. It has also been observed to segregate with disease in related individuals. ClinVar contains an entry for this variant (Variation ID: 1040806). Invitae Evidence Modeling of protein sequence and biophysical properties (such as structural, functional, and spatial information, amino acid conservation, physicochemical variation, residue mobility, and thermodynamic stability) indicates that this missense variant is expected to disrupt CKAP2L protein function with a positive predictive value of 80%. For these reasons, this variant has been classified as Pathogenic.

Sanford Medical Genetics Laboratory, Sanford Health
Classification: Uncertain significance for Filippi syndrome. Review status: no assertion criteria provided. Collection method: clinical testing. Allele origin: maternal. Inheritance: Autosomal recessive inheritance. Affected: yes. Observed: 1 heterozygote. Not counted in ClinVar's aggregate classification.

Literature cited by the submitters: PubMed 34921061 (cited by Labcorp Genetics (formerly Invitae), Labcorp).

NM_152515.5(CKAP2L):c.2066G>A (p.Arg689His)

Genes: CKAP2L (cytoskeleton associated protein 2 like; minus strand), NT5DC4 (5'-nucleotidase domain containing 4; plus strand). Cytogenetic location: 2q14.1.
Variant type: single nucleotide variant.
Coding change: c.2066G>A on transcript NM_152515.5 (MANE Select); coding-DNA position 2066, G replaced by A.
Protein change: p.Arg689His; replaces arginine 689 with histidine.
Molecular consequence: missense variant. On other transcripts: non-coding transcript variant (1), 3 prime UTR variant (1), intron variant (1).
Genome position (GRCh38, 1-based): chr2:112,738,995, C>T on the plus strand (G>A on the coding strand, the complement: CKAP2L is on the minus strand). VCF-style: chr2-112738995-C-T. GRCh37 (hg19) VCF-style: chr2-113496572-C-T.
Other names: c.1571G>A, p.Arg524His (NM_001304361.2); c.*59C>T (NM_001393655.1); c.1249-3417C>T (NM_001350494.2); short protein forms R524H, R689H.
Identifiers: ClinVar variation 1040806 (VCV001040806.9), dbSNP rs201984824, ClinGen allele CA1836472.
Genomic context (GRCh38, chr2:112,738,995, plus strand): 5'-AAATCGTGTTCCTGCAGCATTTCTGGGTAGCGGGACACTGCTCGCTCAATCCTCGACGAA[C>T]GCCGTACAGGAGTGATAAATTTCATGTCTTGCACTTCCGGCATCCCATTTATTCTGAGAG-3'
Protein context (NP_689728.3, residues 679-699): QDMKFITPVR[Arg689His]SSRIERAVSR